The following is an entry in ClinVar:

ClinVar aggregate classification (germline): Pathogenic (1 of 4 stars; one submission).

Conditions:
Familial cancer of breast. Also called: hereditary breast carcinoma; Hereditary breast cancer; BREAST CANCER, FAMILIAL. Identifiers: Orphanet 227535, MedGen C0346153, MONDO:0016419, OMIM 114480. Disease mechanism: loss of function.

Submission:

Labcorp Genetics (formerly Invitae), Labcorp
Classification: Pathogenic for Familial cancer of breast. Last evaluated: 2021-01-24. Review status: criteria provided, single submitter. Criteria: Invitae Variant Classification Sherloc (09022015). Collection method: clinical testing. Allele origin: germline.
Comment: This sequence change creates a premature translational stop signal (p.Lys373Argfs*9) in the CHEK2 gene. It is expected to result in an absent or disrupted protein product. Loss-of-function variants in CHEK2 are known to be pathogenic (PMID: 21876083, 24713400). This variant is not present in population databases (ExAC no frequency). This variant has not been reported in the literature in individuals with CHEK2-related conditions. For these reasons, this variant has been classified as Pathogenic.

Literature cited by the submitters: PubMed 21876083; PubMed 24713400.

NM_007194.4(CHEK2):c.1116del (p.Lys373fs)

Gene: CHEK2 (checkpoint kinase 2; minus strand). Cytogenetic location: 22q12.1.
Variant type: Deletion.
Coding change: c.1116del on transcript NM_007194.4 (MANE Select); coding-DNA position 1116, one base deleted (C; older notation c.1116delC).
Protein change: p.Lys373fs; shifts the reading frame from lysine 373.
Molecular consequence: frameshift variant.
Genome position (GRCh38, 1-based): chr22:28,695,853, G deleted on the plus strand (C on the coding strand, the reverse complement: CHEK2 is on the minus strand); the first of 2 consecutive G bases (chr22:28,695,853-28,695,854); deleting either gives the same sequence. VCF-style (leftmost placement, unchanged base first): chr22-28695852-TG-T. GRCh37 (hg19) VCF-style: chr22-29091840-TG-T.
Other names: c.1244delC, p.Lys416Argfs (NM_001005735.3); c.452delC, p.Lys152Argfs (NM_001257387.3); c.914delC, p.Lys306Argfs (NM_001349956.3); c.1028delC, p.Lys344Argfs (NM_145862.3); short protein forms K344fs, K152fs, K373fs, K416fs, K306fs.
Identifiers: ClinVar variation 1352527 (VCV001352527.7), dbSNP rs1555913894, ClinGen allele CA2573157984.